The following is an entry in ClinVar:

NM_001330078.2(NRXN1):c.4123A>G (p.Ser1375Gly)

Gene: NRXN1 (neurexin 1; minus strand). Cytogenetic location: 2p16.3.
Variant type: single nucleotide variant.
Coding change: c.4123A>G on transcript NM_001330078.2 (MANE Select); coding-DNA position 4123, A replaced by G.
Protein change: p.Ser1375Gly; replaces serine 1375 with glycine.
Molecular consequence: missense variant.
Genome position (GRCh38, 1-based): chr2:50,053,276, T>C on the plus strand (A>G on the coding strand, the complement: NRXN1 is on the minus strand). VCF-style: chr2-50053276-T-C. GRCh37 (hg19) VCF-style: chr2-50280414-T-C.
Other names: c.4243A>G, p.Ser1415Gly (NM_001135659.3); c.4099A>G, p.Ser1367Gly (NM_001330077.2, NM_001330082.2); c.3967A>G, p.Ser1323Gly (NM_001330083.2); c.4057A>G, p.Ser1353Gly (NM_001330084.2); c.4096A>G, p.Ser1366Gly (NM_001330085.2); c.4123A>G, p.Ser1375Gly (NM_001330086.2); c.3922A>G, p.Ser1308Gly (NM_001330087.2, NM_001330096.2); c.3952A>G, p.Ser1318Gly (NM_001330088.2); and 6 more; short protein forms S1308G, S1318G, S1323G, S1328G, S1345G, S1353G, S1366G, S1367G.
Identifiers: ClinVar variation 1056606 (VCV001056606.8), dbSNP rs2152626036, ClinGen allele CA346819342.
Genomic context (GRCh38, chr2:50,053,276, plus strand): 5'-CCACTATCATAAATAATATAGGATGAAAATGAAGGAATAAAATCCACAGGCTCACCTGGC[T>C]AATGGGTTCTTTTGTCGGGGGCTTTCCTCTTCTGGCTGTGCTAGTAGCCAGGGTCGTGGT-3'
Protein context (NP_001317007.1, residues 1365-1385): RGKPPTKEPI[Ser1375Gly]QTTDDILVAS

ClinVar aggregate classification (germline): Uncertain significance (1 of 4 stars; one submission).

Conditions:
Pitt-Hopkins-like syndrome 2 (PTHSL2). Identifiers: Orphanet 221150, Orphanet 600663, MedGen C3280479, MONDO:0013690, OMIM 614325.

Submission:

Labcorp Genetics (formerly Invitae), Labcorp
Classification: Uncertain significance for Pitt-Hopkins-like syndrome 2. Last evaluated: 2022-08-29. Review status: criteria provided, single submitter. Criteria: Invitae Variant Classification Sherloc (09022015). Collection method: clinical testing. Allele origin: germline.
Comment: In summary, the available evidence is currently insufficient to determine the role of this variant in disease. Therefore, it has been classified as a Variant of Uncertain Significance. Algorithms developed to predict the effect of missense changes on protein structure and function (SIFT, PolyPhen-2, Align-GVGD) all suggest that this variant is likely to be tolerated. ClinVar contains an entry for this variant (Variation ID: 1056606). This variant has not been reported in the literature in individuals affected with NRXN1-related conditions. This variant is not present in population databases (gnomAD no frequency). This sequence change replaces serine, which is neutral and polar, with glycine, which is neutral and non-polar, at codon 1415 of the NRXN1 protein (p.Ser1415Gly).